The following is an entry in ClinVar:

NM_003982.4(SLC7A7):c.1282A>G (p.Thr428Ala)

Gene: SLC7A7 (solute carrier family 7 member 7; minus strand). Cytogenetic location: 14q11.2.
Variant type: single nucleotide variant.
Coding change: c.1282A>G on transcript NM_003982.4 (MANE Select); coding-DNA position 1282, A replaced by G.
Protein change: p.Thr428Ala; replaces threonine 428 with alanine.
Molecular consequence: missense variant.
Genome position (GRCh38, 1-based): chr14:22,774,080, T>C on the plus strand (A>G on the coding strand, the complement: SLC7A7 is on the minus strand). VCF-style: chr14-22774080-T-C. GRCh37 (hg19) VCF-style: chr14-23243289-T-C.
Other names: c.1282A>G, p.Thr428Ala (NM_001126105.3, NM_001126106.4); short protein forms T428A.
Identifiers: ClinVar variation 1414651 (VCV001414651.5), dbSNP rs1219626541, ClinGen allele CA388921362.
Genomic context (GRCh38, chr14:22,774,080, plus strand): 5'-CAATGCCGATGAGGGAGTTGATAGTATCACTGTAAAGTGGAACAGCCACCAGGAAGATGG[T>C]GCAGAGGCAGAAGACAATCGGGAAGAAAACGCTGAGCTAAGGGCACAGGAAACATAACTG-3'
Protein context (NP_003973.3, residues 418-438): VFFPIVFCLC[Thr428Ala]IFLVAVPLYS

ClinVar aggregate classification (germline): Uncertain significance (1 of 4 stars; one submission).

Conditions:
Lysinuric protein intolerance (LPI). Identifiers: Orphanet 470, MedGen C0268647, MONDO:0009109, OMIM 222700.

Submission:

Labcorp Genetics (formerly Invitae), Labcorp
Classification: Uncertain significance for Lysinuric protein intolerance. Last evaluated: 2021-08-26. Review status: criteria provided, single submitter. Criteria: Invitae Variant Classification Sherloc (09022015). Collection method: clinical testing. Allele origin: germline.
Comment: This sequence change replaces threonine with alanine at codon 428 of the SLC7A7 protein (p.Thr428Ala). The threonine residue is moderately conserved and there is a small physicochemical difference between threonine and alanine. This variant is not present in population databases (ExAC no frequency). This variant has not been reported in the literature in individuals affected with SLC7A7-related conditions. Algorithms developed to predict the effect of missense changes on protein structure and function (SIFT, PolyPhen-2, Align-GVGD) all suggest that this variant is likely to be tolerated. In summary, the available evidence is currently insufficient to determine the role of this variant in disease. Therefore, it has been classified as a Variant of Uncertain Significance.